The following is an entry in ClinVar:

ClinVar aggregate classification (germline): Likely pathogenic (1 of 4 stars; one submission).

Submission:

Labcorp Genetics (formerly Invitae), Labcorp
Classification: Likely pathogenic. Last evaluated: 2021-03-30. Review status: criteria provided, single submitter. Criteria: Invitae Variant Classification Sherloc (09022015). Collection method: clinical testing. Allele origin: germline.
Comment: In summary, the currently available evidence indicates that the variant is pathogenic, but additional data are needed to prove that conclusively. Therefore, this variant has been classified as Likely Pathogenic. This variant has not been reported in the literature in individuals with LAMC2-related conditions. This variant results in the deletion of part of exon 16 (c.2376_2456+13del) of the LAMC2 gene. It is expected to disrupt RNA splicing. Variants that disrupt the donor or acceptor splice site typically lead to a loss of protein function (PMID: 16199547), and loss-of-function variants in LAMC2 are known to be pathogenic (PMID: 11907499, 16473856).

Literature cited by the submitters: PubMed 16199547; PubMed 11907499; PubMed 16473856.

NC_000001.10:g.(?_183204785)_(183204878_?)del

Gene: LAMC2 (laminin subunit gamma 2; plus strand). Cytogenetic location: 1q25.3.
Variant type: Deletion.
Identifiers: ClinVar variation 1522755 (VCV001522755.4).